The following is an entry in ClinVar:

NM_001277115.2(DNAH11):c.9608G>C (p.Ser3203Thr)

Gene: DNAH11 (dynein axonemal heavy chain 11; plus strand). Cytogenetic location: 7p15.3.
Variant type: single nucleotide variant.
Coding change: c.9608G>C on transcript NM_001277115.2 (MANE Select); coding-DNA position 9608, G replaced by C.
Protein change: p.Ser3203Thr; replaces serine 3203 with threonine.
Molecular consequence: missense variant.
Genome position (GRCh38, 1-based): chr7:21,786,634, G>C. VCF-style: chr7-21786634-G-C. GRCh37 (hg19) VCF-style: chr7-21826252-G-C.
Other names: c.9629G>C, p.Ser3210Thr (NM_003777.3); short protein forms S3203T, S3210T.
Identifiers: ClinVar variation 2047568 (VCV002047568.4), dbSNP rs1173139296, ClinGen allele CA366939976.

ClinVar aggregate classification (germline): Uncertain significance (1 of 4 stars; one submission).

Conditions:
Primary ciliary dyskinesia. Also called: Ciliary dyskinesia. Identifiers: Orphanet 244, MedGen C0008780, MONDO:0016575, HP:0012265.

Submission:

Labcorp Genetics (formerly Invitae), Labcorp
Classification: Uncertain significance for Primary ciliary dyskinesia. Last evaluated: 2021-12-19. Review status: criteria provided, single submitter. Criteria: Invitae Variant Classification Sherloc (09022015). Collection method: clinical testing. Allele origin: germline.
Comment: This sequence change replaces serine, which is neutral and polar, with threonine, which is neutral and polar, at codon 3203 of the DNAH11 protein (p.Ser3203Thr). This variant is not present in population databases (gnomAD no frequency). This variant has not been reported in the literature in individuals affected with DNAH11-related conditions. Advanced modeling of protein sequence and biophysical properties (such as structural, functional, and spatial information, amino acid conservation, physicochemical variation, residue mobility, and thermodynamic stability) performed at Invitae indicates that this missense variant is not expected to disrupt DNAH11 protein function. In summary, the available evidence is currently insufficient to determine the role of this variant in disease. Therefore, it has been classified as a Variant of Uncertain Significance.